The following is an entry in ClinVar:

NM_001267550.2(TTN):c.39463+4T>G

Gene: TTN (titin; minus strand). Cytogenetic location: 2q31.2.
Variant type: single nucleotide variant.
Coding change: c.39463+4T>G on transcript NM_001267550.2 (MANE Select); 4 bases into the intron after coding-DNA position 39463, T replaced by G.
Molecular consequence: intron variant.
Genome position (GRCh38, 1-based): chr2:178,651,662, A>C on the plus strand (T>G on the coding strand, the complement: TTN is on the minus strand). VCF-style: chr2-178651662-A-C. GRCh37 (hg19) VCF-style: chr2-179516389-A-C.
Other names: c.13283-9345T>G (NM_003319.4); c.13859-9345T>G (NM_133437.4); c.13658-9345T>G (NM_133432.3); c.32161+4T>G (NM_133378.4); c.34942+4T>G (NM_001256850.1).
Identifiers: ClinVar variation 4994323 (VCV004994323.1).

ClinVar aggregate classification (germline): Uncertain significance (1 of 4 stars; one submission).

Conditions:
TTN-related disorder. Also called: TTN-related condition; TTN-related disease; TTN-related disorders.

gnomAD v4.1: 2 of 1,613,222 alleles (0.00012%); highest among the groups gnomAD compares: Admixed American, 0.0017%; no homozygotes.

Submission:

PreventionGenetics, part of Exact Sciences
Classification: Uncertain significance for TTN-related condition. Last evaluated: 2026-03-23. Review status: criteria provided, single submitter. Criteria: ACMG Guidelines, 2015. Collection method: clinical testing. Allele origin: germline.
Comment: The TTN c.39463+4T>G variant is predicted to interfere with splicing. To our knowledge, this variant has not been reported in the literature or in a large population database (gnomAD), indicating this variant is rare. At this time, the clinical significance of this variant is uncertain due to the absence of conclusive functional and genetic evidence.